The following is an entry in ClinVar:

ClinVar aggregate classification (germline): Uncertain significance (1 of 4 stars; one submission).

gnomAD v4.1: 4 of 1,610,234 alleles (0.00025%); no homozygotes.

Submission:

Labcorp Genetics (formerly Invitae), Labcorp
Classification: Uncertain significance. Last evaluated: 2021-09-27. Review status: criteria provided, single submitter. Criteria: Invitae Variant Classification Sherloc (09022015). Collection method: clinical testing. Allele origin: germline.
Comment: This sequence change replaces histidine with leucine at codon 241 of the COL9A1 protein (p.His241Leu). The histidine residue is highly conserved and there is a moderate physicochemical difference between histidine and leucine. This variant is not present in population databases (ExAC no frequency). This variant has not been reported in the literature in individuals affected with COL9A1-related conditions. Advanced modeling of protein sequence and biophysical properties (such as structural, functional, and spatial information, amino acid conservation, physicochemical variation, residue mobility, and thermodynamic stability) performed at Invitae indicates that this missense variant is not expected to disrupt COL9A1 protein function. In summary, the available evidence is currently insufficient to determine the role of this variant in disease. Therefore, it has been classified as a Variant of Uncertain Significance.

NM_001851.6(COL9A1):c.722A>T (p.His241Leu)

Gene: COL9A1 (collagen type IX alpha 1 chain; minus strand). Cytogenetic location: 6q13.
Variant type: single nucleotide variant.
Coding change: c.722A>T on transcript NM_001851.6 (MANE Select); coding-DNA position 722, A replaced by T.
Protein change: p.His241Leu; replaces histidine 241 with leucine.
Molecular consequence: missense variant.
Genome position (GRCh38, 1-based): chr6:70,283,795, T>A on the plus strand (A>T on the coding strand, the complement: COL9A1 is on the minus strand). VCF-style: chr6-70283795-T-A. GRCh37 (hg19) VCF-style: chr6-70993498-T-A.
Other names: c.722A>T, p.His241Leu (NM_001377291.1); short protein forms H241L.
Identifiers: ClinVar variation 1520430 (VCV001520430.6), dbSNP rs1157440130, ClinGen allele CA364667248.
Genomic context (GRCh38, chr6:70,283,795, plus strand): 5'-ACCGTTATTCTGGCTGGCAGCTCATGGCAAGTTTCTCTCCTGGGCCGCAGGGGGTCACAA[T>A]GGATCAGCATCCATTGAAGTTCAAACTGGAGAAAGGTAGTAGACAGTCAGGTAAGGTTTT-3'
Protein context (NP_001842.3, residues 231-251): VPFELQWMLI[His241Leu]CDPLRPRRET